The following is an entry in ClinVar:

ClinVar aggregate classification (germline): Uncertain significance (1 of 4 stars; one submission).

Conditions:
Duchenne muscular dystrophy (DMD). Also called: MUSCULAR DYSTROPHY, PSEUDOHYPERTROPHIC PROGRESSIVE, DUCHENNE TYPE; Duchenne Muscular Dystrophy (DMD). Identifiers: Orphanet 98896, MedGen C0013264, MONDO:0010679, OMIM 310200.

Submission:

Labcorp Genetics (formerly Invitae), Labcorp
Classification: Uncertain significance for Duchenne muscular dystrophy. Last evaluated: 2024-06-13. Review status: criteria provided, single submitter. Criteria: Invitae Variant Classification Sherloc (09022015). Collection method: clinical testing. Allele origin: germline.
Comment: This sequence change replaces serine, which is neutral and polar, with proline, which is neutral and non-polar, at codon 1573 of the DMD protein (p.Ser1573Pro). This variant is not present in population databases (gnomAD no frequency). This variant has not been reported in the literature in individuals affected with DMD-related conditions. Advanced modeling of protein sequence and biophysical properties (such as structural, functional, and spatial information, amino acid conservation, physicochemical variation, residue mobility, and thermodynamic stability) performed at Invitae indicates that this missense variant is not expected to disrupt DMD protein function with a negative predictive value of 95%. In summary, the available evidence is currently insufficient to determine the role of this variant in disease. Therefore, it has been classified as a Variant of Uncertain Significance.

NM_004006.3(DMD):c.4717T>C (p.Ser1573Pro)

Gene: DMD (dystrophin; minus strand). Cytogenetic location: Xp21.1.
Variant type: single nucleotide variant.
Coding change: c.4717T>C on transcript NM_004006.3 (MANE Select); coding-DNA position 4717, T replaced by C.
Protein change: p.Ser1573Pro; replaces serine 1573 with proline.
Molecular consequence: missense variant.
Genome position (GRCh38, 1-based): chrX:32,380,638, A>G on the plus strand (T>C on the coding strand, the complement: DMD is on the minus strand). VCF-style: chrX-32380638-A-G. GRCh37 (hg19) VCF-style: chrX-32398755-A-G.
Other names: c.4693T>C, p.Ser1565Pro (NM_000109.4); c.4705T>C, p.Ser1569Pro (NM_004009.3); c.4348T>C, p.Ser1450Pro (NM_004010.3); c.694T>C, p.Ser232Pro (NM_004011.4); c.685T>C, p.Ser229Pro (NM_004012.4); short protein forms S1565P, S1569P, S232P, S1573P, S229P, S1450P.
Identifiers: ClinVar variation 3634828 (VCV003634828.2).